The following is an entry in ClinVar:

ClinVar aggregate classification (germline): Benign/Likely benign. Review status: criteria provided, multiple submitters, no conflicts (2 of 4 stars). 2 submissions from 2 submitters: Benign (1); Likely benign (1). Last evaluated 2026-06-29.

Conditions:
Sessile serrated polyposis cancer syndrome (SSPCS). Identifiers: Orphanet 157798, MedGen C4310714, MONDO:0014919, OMIM 617108.

Submissions (2):

Myriad Genetics, Inc.
Classification: Benign for Sessile serrated polyposis cancer syndrome. Last evaluated: 2026-06-29. Review status: criteria provided, single submitter. Criteria: Myriad Autosomal Dominant, Autosomal Recessive and X-Linked Classification Criteria (2023). Collection method: clinical testing. Allele origin: unknown.
Comment: This variant is considered benign. This variant is a silent/synonymous amino acid change and it is not expected to impact splicing.

Ambry Genetics
Classification: Likely benign. Last evaluated: 2026-04-26. Review status: criteria provided, single submitter. Criteria: Ambry Variant Classification Scheme 2023. Collection method: clinical testing. Allele origin: germline.

NM_017763.6(RNF43):c.138T>C (p.Ala46=)

Gene: RNF43 (ring finger protein 43; minus strand). Cytogenetic location: 17q22.
Variant type: single nucleotide variant.
Coding change: c.138T>C on transcript NM_017763.6 (MANE Select); coding-DNA position 138, T replaced by C.
Protein change: p.Ala46=; no amino-acid change (alanine 46 retained).
Molecular consequence: synonymous variant. On other transcripts: intron variant (1).
Genome position (GRCh38, 1-based): chr17:58,415,440, A>G on the plus strand (T>C on the coding strand, the complement: RNF43 is on the minus strand). VCF-style: chr17-58415440-A-G. GRCh37 (hg19) VCF-style: chr17-56492801-A-G.
Other names: c.138T>C, p.Ala46= (NM_001305544.3, NM_001438820.1, NM_001438821.1 and 1 more transcripts); c.-130+1577T>C (NM_001437987.1).
Identifiers: ClinVar variation 4863408 (VCV004863408.2).